The following is an entry in ClinVar:

NM_000018.4(ACADVL):c.406C>T (p.Leu136Phe)

Gene: ACADVL (acyl-CoA dehydrogenase very long chain; plus strand). Cytogenetic location: 17p13.1.
Variant type: single nucleotide variant.
Coding change: c.406C>T on transcript NM_000018.4 (MANE Select); coding-DNA position 406, C replaced by T.
Protein change: p.Leu136Phe; replaces leucine 136 with phenylalanine.
Molecular consequence: missense variant.
Genome position (GRCh38, 1-based): chr17:7,220,987, C>T. VCF-style: chr17-7220987-C-T. GRCh37 (hg19) VCF-style: chr17-7124306-C-T.
Other names: c.340C>T, p.Leu114Phe (NM_001033859.3); c.475C>T, p.Leu159Phe (NM_001270447.2); c.178C>T, p.Leu60Phe (NM_001270448.2); short protein forms L114F, L136F, L159F, L60F.
Identifiers: ClinVar variation 1419913 (VCV001419913.7), dbSNP rs1460246415, ClinGen allele CA397722840.
Genomic context (GRCh38, chr17:7,220,987, plus strand): 5'-GTGAACGATCCCGCCAAGAATGACGCTCTGGAGATGGTGGAGGAGACCACTTGGCAGGGC[C>T]TCAAGGAGCTGGGGGCCTTTGGTCTGCAAGTGCCCAGTGAGCTGGGTGGTGTGGGCCTTT-3'
Protein context (NP_000009.1, residues 126-146): EMVEETTWQG[Leu136Phe]KELGAFGLQV

ClinVar aggregate classification (germline): Pathogenic/Likely pathogenic. Review status: criteria provided, multiple submitters, no conflicts (2 of 4 stars). 2 submissions from 2 submitters: Pathogenic (1); Likely pathogenic (1). Last evaluated 2024-10-28.

Conditions:
Very long chain acyl-CoA dehydrogenase deficiency (ACADVLD). Also called: VLCAD Deficiency; Very Long-Chain Acyl-Coenzyme A Dehydrogenase Deficiency. Identifiers: Orphanet 26793, MedGen C3887523, MONDO:0008723, OMIM 201475.

Allele frequency attached by ClinVar (database versions not stated): gnomAD exomes 0.00001.

Submissions (2):

Labcorp Genetics (formerly Invitae), Labcorp
Classification: Pathogenic for Very long chain acyl-CoA dehydrogenase deficiency. Last evaluated: 2024-10-28. Review status: criteria provided, single submitter. Criteria: Invitae Variant Classification Sherloc (09022015). Collection method: clinical testing. Allele origin: germline.
Comment: This sequence change replaces leucine, which is neutral and non-polar, with phenylalanine, which is neutral and non-polar, at codon 136 of the ACADVL protein (p.Leu136Phe). This variant is present in population databases (no rsID available, gnomAD 0.0009%). This missense change has been observed in individual(s) with clinical features of very long-chain acyl-CoA dehydrogenase deficiency (internal data). In at least one individual the data is consistent with being in trans (on the opposite chromosome) from a pathogenic variant. ClinVar contains an entry for this variant (Variation ID: 1419913). Invitae Evidence Modeling of protein sequence and biophysical properties (such as structural, functional, and spatial information, amino acid conservation, physicochemical variation, residue mobility, and thermodynamic stability) indicates that this missense variant is not expected to disrupt ACADVL protein function with a negative predictive value of 80%. For these reasons, this variant has been classified as Pathogenic.

Fulgent Genetics
Classification: Likely pathogenic for Very long chain acyl-CoA dehydrogenase deficiency. Last evaluated: 2024-01-02. Review status: criteria provided, single submitter. Criteria: ACMG Guidelines, 2015. Collection method: clinical testing. Allele origin: germline.